The following is an entry in ClinVar:

ClinVar aggregate classification (germline): Conflicting classifications of pathogenicity. Review status: criteria provided, conflicting classifications (1 of 4 stars). 5 submissions from 5 submitters: Uncertain significance (3); Likely benign (2). Last evaluated 2025-11-11.

Conditions:
Hereditary breast ovarian cancer syndrome. Also called: Hereditary breast and ovarian cancer syndrome (HBOC); BRCA1- and BRCA2-Associated Hereditary Breast and Ovarian Cancer; Hereditary breast and/or ovarian cancer syndrome; Hereditary breast and ovarian cancer syndrome; Hereditary breast and ovarian cancer; Breast and ovarian cancer. Identifiers: Orphanet 145, MedGen C0677776, MeSH D061325, MONDO:0003582. Disease mechanism: loss of function.
Hereditary cancer-predisposing syndrome. Also called: Neoplastic Syndromes, Hereditary; Hereditary neoplastic syndrome; Tumor predisposition; Hereditary Cancer Syndrome. Identifiers: Orphanet 140162, MedGen C0027672, MeSH D009386, MONDO:0015356.
Breast-ovarian cancer, familial, susceptibility to, 1 (BROVCA1). Also called: BRCA1 Hereditary Breast and Ovarian Cancer; OVARIAN CANCER, SUSCEPTIBILITY TO. Identifiers: Orphanet 145, MedGen C2676676, MONDO:0011450, OMIM 604370. Disease mechanism: loss of function.

Allele frequency attached by ClinVar (database versions not stated): gnomAD exomes below 0.00001.
gnomAD v4.1: 2 of 1,614,204 alleles (0.00012%); highest among the groups gnomAD compares: Admixed American, 0.0017%; no homozygotes.

Submissions (5):

Ambry Genetics
Classification: Uncertain significance for Hereditary cancer-predisposing syndrome. Last evaluated: 2025-11-11. Review status: criteria provided, single submitter. Criteria: Ambry Variant Classification Scheme 2023. Collection method: clinical testing. Allele origin: germline.
Comment: The p.S1330C variant (also known as c.3988A>T), located in coding exon 9 of the BRCA1 gene, results from an A to T substitution at nucleotide position 3988. The serine at codon 1330 is replaced by cysteine, an amino acid with dissimilar properties. This amino acid position is poorly conserved in available vertebrate species. In addition, the in silico prediction for this alteration is inconclusive. Since supporting evidence is limited at this time, the clinical significance of this alteration remains unclear.

Labcorp Genetics (formerly Invitae), Labcorp
Classification: Likely benign for Hereditary breast ovarian cancer syndrome. Last evaluated: 2024-12-20. Review status: criteria provided, single submitter. Criteria: Invitae Variant Classification Sherloc (09022015). Collection method: clinical testing. Allele origin: germline.

All of Us Research Program, National Institutes of Health
Classification: Uncertain significance for Breast-ovarian cancer, familial, susceptibility to, 1. Last evaluated: 2023-12-13. Review status: criteria provided, single submitter. Criteria: ACMG Guidelines, 2015. Collection method: clinical testing. Allele origin: germline. Inheritance: Autosomal dominant inheritance. Observed: 1 variant allele, 1 heterozygote.
Comment: This missense variant replaces serine with cysteine at codon 1330 of the BRCA1 protein. Computational prediction suggests that this variant may not impact protein structure and function. To our knowledge, functional studies have not been reported for this variant. This variant has been detected in a breast cancer case-control meta-analysis in 1/60466 cases and 0/53461 unaffected individuals (PMID: 33471991; Leiden Open Variation Database DB-ID BRCA1_006290). A multifactorial analysis has reported likelihood ratios for pathogenicity based on co-occurrence with a pathogenic variant and family history of 1.0331 and 0.3498, respectively (PMID: 31131967). This variant has not been identified in the general population by the Genome Aggregation Database (gnomAD). The available evidence is insufficient to determine the role of this variant in disease conclusively. Therefore, this variant is classified as a Variant of Uncertain Significance.

This study involves interpretation of variants in research participants for the purpose of population health screening. Participant phenotype was not available at the time of variant classification. Additional details can be found in publication PMID: 35346344, PMCID: PMC8962531

Quest Diagnostics Nichols Institute San Juan Capistrano
Classification: Uncertain significance. Last evaluated: 2023-05-07. Review status: criteria provided, single submitter. Criteria: Quest Diagnostics criteria. Collection method: clinical testing. Allele origin: unknown.
Comment: It has not been reported in large, multi-ethnic general populations. In a large case-control study, the variant has only been reported in an affected individual with breast cancer (PMID: 33471991 (2021), see also LOVD). Analysis of this variant using bioinformatics tools for the prediction of the effect of amino acid changes on protein structure and function yielded conflicting predictions that this variant is benign or damaging. Based on the available information, we are unable to determine the clinical significance of this variant.

University of Washington Department of Laboratory Medicine, University of Washington
Classification: Likely benign for Hereditary cancer-predisposing syndrome. Last evaluated: 2023-03-23. Review status: criteria provided, single submitter. Criteria: Dines et al. (Genet Med. 2020). Collection method: curation. Allele origin: germline.
Comment: Missense variant in a coldspot region where missense variants are very unlikely to be pathogenic (PMID:31911673).

BRCA1 coldspot (exon 11 using historical exon numbering). Reclassification based on statistical prior probability

Literature cited by the submitters: PubMed 31131967 (cited by All of Us Research Program, National Institutes of Health); PubMed 33471991 (cited by All of Us Research Program, National Institutes of Health and Quest Diagnostics Nichols Institute San Juan Capistrano); PubMed 31911673 (cited by Quest Diagnostics Nichols Institute San Juan Capistrano).

NM_007294.4(BRCA1):c.3988A>T (p.Ser1330Cys)

Genes: BRCA1 (BRCA1 DNA repair associated; minus strand), LOC126862571 (BRD4-independent group 4 enhancer GRCh37_chr17:41243136-41244335; plus strand). Cytogenetic location: 17q21.31.
Variant type: single nucleotide variant.
Coding change: c.3988A>T on transcript NM_007294.4 (MANE Select); coding-DNA position 3988, A replaced by T.
Protein change: p.Ser1330Cys; replaces serine 1330 with cysteine.
Molecular consequence: missense variant. On other transcripts: intron variant (135).
Genome position (GRCh38, 1-based): chr17:43,091,543, T>A on the plus strand (A>T on the coding strand, the complement: BRCA1 is on the minus strand). VCF-style: chr17-43091543-T-A. GRCh37 (hg19) VCF-style: chr17-41243560-T-A.
Other names: c.3721A>T, p.Ser1241Cys (NM_001407931.1, NM_001407932.1, NM_001407934.1 and 2 more transcripts); c.3724A>T, p.Ser1242Cys (NM_001407933.1, NM_001407935.1, NM_001407920.1 and 9 more transcripts); c.3865A>T, p.Ser1289Cys (NM_001407937.1, NM_001407938.1, NM_001407939.1 and 19 more transcripts); c.3862A>T, p.Ser1288Cys (NM_001407940.1, NM_001407941.1, NM_001407649.1 and 11 more transcripts); c.3847A>T, p.Ser1283Cys (NM_001407942.1, NM_001407944.1, NM_001407945.1 and 29 more transcripts); c.3844A>T, p.Ser1282Cys (NM_001407943.1, NM_001407964.1, NM_001407740.1 and 20 more transcripts); c.3655A>T, p.Ser1219Cys (NM_001407946.1, NM_001407947.1, NM_001407948.1 and 6 more transcripts); c.3652A>T, p.Ser1218Cys (NM_001407954.1, NM_001407955.1, NM_001407956.1 and 1 more transcripts); and 41 more; short protein forms S1330C, S1283C, S1218C, S1241C, S1242C, S1304C, S1203C, S1219C.
Identifiers: ClinVar variation 462627 (VCV000462627.18), dbSNP rs1555586688, ClinGen allele CA10593986.